The following is an entry in ClinVar:

ClinVar aggregate classification (germline): Uncertain significance. Review status: criteria provided, multiple submitters, no conflicts (2 of 4 stars). 4 submissions from 4 submitters: Uncertain significance (3). 1 of the submissions does not count toward it. Last evaluated 2025-02-14.

Conditions:
T-cell immunodeficiency, congenital alopecia, and nail dystrophy. Also called: Congenital alopecia and nail dystrophy associated with severe functional T-cell immunodeficiency; Pignata Guarino syndrome. Identifiers: Orphanet 169095, MedGen C1866426, MONDO:0011132, OMIM 601705.
FOXN1-related disorder. Also called: FOXN1-related condition.
Inborn genetic diseases. Identifiers: MedGen C0950123, MeSH D030342.

Allele frequency attached by ClinVar (database versions not stated): TOPMed 0.00010; ESP Exome Variant Server 0.00015; gnomAD exomes 0.00008 and 0.00009; ExAC 0.00009; gnomAD 0.00009.
gnomAD v4.1: 132 of 1,613,834 alleles (0.0082%); highest among the groups gnomAD compares: Middle Eastern, 0.049%; no homozygotes.

Submissions (4):

Ambry Genetics
Classification: Uncertain significance for Inborn genetic diseases. Last evaluated: 2025-02-14. Review status: criteria provided, single submitter. Criteria: Ambry Variant Classification Scheme 2023. Collection method: clinical testing. Allele origin: germline.

Labcorp Genetics (formerly Invitae), Labcorp
Classification: Uncertain significance for T-cell immunodeficiency, congenital alopecia, and nail dystrophy. Last evaluated: 2024-12-26. Review status: criteria provided, single submitter. Criteria: Invitae Variant Classification Sherloc (09022015). Collection method: clinical testing. Allele origin: germline.
Comment: This sequence change replaces proline, which is neutral and non-polar, with leucine, which is neutral and non-polar, at codon 566 of the FOXN1 protein (p.Pro566Leu). This variant is present in population databases (rs12603884, gnomAD 0.02%). This variant has not been reported in the literature in individuals affected with FOXN1-related conditions. ClinVar contains an entry for this variant (Variation ID: 536430). Invitae Evidence Modeling of protein sequence and biophysical properties (such as structural, functional, and spatial information, amino acid conservation, physicochemical variation, residue mobility, and thermodynamic stability) indicates that this missense variant is not expected to disrupt FOXN1 protein function with a negative predictive value of 80%. In summary, the available evidence is currently insufficient to determine the role of this variant in disease. Therefore, it has been classified as a Variant of Uncertain Significance.

Blueprint Genetics
Classification: Uncertain significance. Last evaluated: 2024-11-07. Review status: criteria provided, single submitter. Criteria: ACMG Guidelines, 2015. Collection method: clinical testing. Allele origin: germline.

PreventionGenetics, part of Exact Sciences
Classification: Uncertain significance for FOXN1-related condition. Last evaluated: 2024-08-21. Review status: no assertion criteria provided. Collection method: clinical testing. Allele origin: germline. Not counted in ClinVar's aggregate classification.
Comment: The FOXN1 c.1697C>T variant is predicted to result in the amino acid substitution p.Pro566Leu. To our knowledge, this variant has not been reported in the literature. This variant is reported in 0.014% of alleles in individuals of European (Non-Finnish) descent in gnomAD. At this time, the clinical significance of this variant is uncertain due to the absence of conclusive functional and genetic evidence.

NM_001369369.1(FOXN1):c.1697C>T (p.Pro566Leu)

Gene: FOXN1 (forkhead box N1; plus strand). Cytogenetic location: 17q11.2.
Variant type: single nucleotide variant.
Coding change: c.1697C>T on transcript NM_001369369.1 (MANE Select); coding-DNA position 1697, C replaced by T.
Protein change: p.Pro566Leu; replaces proline 566 with leucine.
Molecular consequence: missense variant.
Genome position (GRCh38, 1-based): chr17:28,537,186, C>T. VCF-style: chr17-28537186-C-T. GRCh37 (hg19) VCF-style: chr17-26864204-C-T.
Other names: c.1697C>T, p.Pro566Leu (NM_003593.3); short protein forms P566L.
Identifiers: ClinVar variation 536430 (VCV000536430.11), dbSNP rs12603884, ClinGen allele CA8459602.